The following is an entry in ClinVar:

NM_020884.7(MYH7B):c.3590C>T (p.Ala1197Val)

Gene: MYH7B (myosin heavy chain 7B; plus strand). Cytogenetic location: 20q11.22.
Variant type: single nucleotide variant.
Coding change: c.3590C>T on transcript NM_020884.7 (MANE Select); coding-DNA position 3590, C replaced by T.
Protein change: p.Ala1197Val; replaces alanine 1197 with valine.
Molecular consequence: missense variant.
Genome position (GRCh38, 1-based): chr20:34,997,483, C>T. VCF-style: chr20-34997483-C-T. GRCh37 (hg19) VCF-style: chr20-33585286-C-T.
Other names: short protein forms A1197V.
Identifiers: ClinVar variation 4989852 (VCV004989852.1).

ClinVar aggregate classification (germline): Uncertain significance (1 of 4 stars; one submission).

Conditions:
MYH7B-related disorder. Also called: MYH7B-related condition.

gnomAD v4.1: 22 of 1,543,638 alleles (0.0014%); highest among the groups gnomAD compares: East Asian, 0.0025%; no homozygotes.

Submission:

PreventionGenetics, part of Exact Sciences
Classification: Uncertain significance for MYH7B-related condition. Last evaluated: 2025-07-20. Review status: criteria provided, single submitter. Criteria: ACMG Guidelines, 2015. Collection method: clinical testing. Allele origin: germline.
Comment: The MYH7B c.3716C>T variant is predicted to result in the amino acid substitution p.Ala1239Val. To our knowledge, this variant has not been reported in the literature. This variant is reported in 0.0062% of alleles in individuals of European (Finnish) descent in gnomAD. At this time, the clinical significance of this variant is uncertain due to the absence of conclusive functional and genetic evidence.